The following is an entry in ClinVar:

NM_152641.4(ARID2):c.2056C>G (p.Gln686Glu)

Gene: ARID2 (AT-rich interaction domain 2; plus strand). Cytogenetic location: 12q12.
Variant type: single nucleotide variant.
Coding change: c.2056C>G on transcript NM_152641.4 (MANE Select); coding-DNA position 2056, C replaced by G.
Protein change: p.Gln686Glu; replaces glutamine 686 with glutamic acid.
Molecular consequence: missense variant.
Genome position (GRCh38, 1-based): chr12:45,850,179, C>G. VCF-style: chr12-45850179-C-G. GRCh37 (hg19) VCF-style: chr12-46243962-C-G.
Other names: c.2056C>G, p.Gln686Glu (NM_001347839.2); short protein forms Q686E.
Identifiers: ClinVar variation 4982091 (VCV004982091.1).

ClinVar aggregate classification (germline): Uncertain significance (1 of 4 stars; one submission).

Conditions:
ARID2-related disorder. Also called: ARID2-related condition.

Submission:

PreventionGenetics, part of Exact Sciences
Classification: Uncertain significance for ARID2-related condition. Last evaluated: 2026-09-15. Review status: criteria provided, single submitter. Criteria: ACMG Guidelines, 2015. Collection method: clinical testing. Allele origin: germline.
Comment: The ARID2 c.2056C>G variant is predicted to result in the amino acid substitution p.Gln686Glu. To our knowledge, this variant has not been reported in the literature or in a large population database (gnomAD), indicating this variant is rare. At this time, the clinical significance of this variant is uncertain due to the absence of conclusive functional and genetic evidence.